The following is an entry in ClinVar:

ClinVar aggregate classification (germline): Uncertain significance. Review status: criteria provided, multiple submitters, no conflicts (2 of 4 stars). 2 submissions from 2 submitters: Uncertain significance (2). Last evaluated 2025-09-04.

Conditions:
Hereditary cancer-predisposing syndrome. Also called: Hereditary Cancer Syndrome; Hereditary neoplastic syndrome; Tumor predisposition; Neoplastic Syndromes, Hereditary. Identifiers: Orphanet 140162, MedGen C0027672, MeSH D009386, MONDO:0015356.
EGFR-related lung cancer (EGFR). Identifiers: MedGen CN130014.

Allele frequency attached by ClinVar (database versions not stated): TOPMed below 0.00001; ExAC 0.00001; gnomAD 0.00002; gnomAD exomes 0.00002.
gnomAD v4.1: 22 of 1,614,080 alleles (0.0014%); highest among the groups gnomAD compares: Non-Finnish European, 0.0016%; no homozygotes.

Submissions (2):

Labcorp Genetics (formerly Invitae), Labcorp
Classification: Uncertain significance for EGFR-related lung cancer. Last evaluated: 2025-09-04. Review status: criteria provided, single submitter. Criteria: Invitae Variant Classification Sherloc (09022015). Collection method: clinical testing. Allele origin: germline.
Comment: This sequence change replaces threonine, which is neutral and polar, with asparagine, which is neutral and polar, at codon 430 of the EGFR protein (p.Thr430Asn). The frequency data for this variant in the population databases is considered unreliable, as metrics indicate poor data quality at this position in the gnomAD database. This variant has not been reported in the literature in individuals affected with EGFR-related conditions. ClinVar contains an entry for this variant (Variation ID: 843756). Invitae Evidence Modeling of protein sequence and biophysical properties (such as structural, functional, and spatial information, amino acid conservation, physicochemical variation, residue mobility, and thermodynamic stability) indicates that this missense variant is not expected to disrupt EGFR protein function with a negative predictive value of 80%. In summary, the available evidence is currently insufficient to determine the role of this variant in disease. Therefore, it has been classified as a Variant of Uncertain Significance.

Ambry Genetics
Classification: Uncertain significance for Hereditary cancer-predisposing syndrome. Last evaluated: 2024-11-22. Review status: criteria provided, single submitter. Criteria: Ambry Variant Classification Scheme 2023. Collection method: clinical testing. Allele origin: germline.
Comment: The p.T430N variant (also known as c.1289C>A), located in coding exon 11 of the EGFR gene, results from a C to A substitution at nucleotide position 1289. The threonine at codon 430 is replaced by asparagine, an amino acid with similar properties. This amino acid position is conserved. In addition, the in silico prediction for this alteration is inconclusive. Based on the available evidence, the clinical significance of this variant remains unclear.

NM_005228.5(EGFR):c.1289C>A (p.Thr430Asn)

Gene: EGFR (epidermal growth factor receptor; plus strand). Cytogenetic location: 7p11.2.
Variant type: single nucleotide variant.
Coding change: c.1289C>A on transcript NM_005228.5 (MANE Select); coding-DNA position 1289, C replaced by A.
Protein change: p.Thr430Asn; replaces threonine 430 with asparagine.
Molecular consequence: missense variant.
Genome position (GRCh38, 1-based): chr7:55,157,744, C>A. VCF-style: chr7-55157744-C-A. GRCh37 (hg19) VCF-style: chr7-55225437-C-A.
Other names: c.1154C>A, p.Thr385Asn (NM_001346897.2, NM_001346899.2); c.1289C>A, p.Thr430Asn (NM_001346898.2, NM_201282.2, NM_201284.2); c.1130C>A, p.Thr377Asn (NM_001346900.2); c.488C>A, p.Thr163Asn (NM_001346941.2); short protein forms T377N, T430N, T163N, T385N.
Identifiers: ClinVar variation 843756 (VCV000843756.8), dbSNP rs765369188, ClinGen allele CA4265541.